The following is an entry in ClinVar:

NM_022089.4(ATP13A2):c.407C>T (p.Ala136Val)

Gene: ATP13A2 (ATPase cation transporting 13A2; minus strand). Cytogenetic location: 1p36.13.
Variant type: single nucleotide variant.
Coding change: c.407C>T on transcript NM_022089.4 (MANE Select); coding-DNA position 407, C replaced by T.
Protein change: p.Ala136Val; replaces alanine 136 with valine.
Molecular consequence: missense variant.
Genome position (GRCh38, 1-based): chr1:17,004,762, G>A on the plus strand (C>T on the coding strand, the complement: ATP13A2 is on the minus strand). VCF-style: chr1-17004762-G-A. GRCh37 (hg19) VCF-style: chr1-17331257-G-A.
Other names: p.Ala136Val; c.407C>T, p.Ala136Val (NM_001141973.3, NM_001141974.3); short protein forms A136V.
Identifiers: ClinVar variation 856542 (VCV000856542.11), dbSNP rs562519835, ClinGen allele CA637652.

ClinVar aggregate classification (germline): Conflicting classifications of pathogenicity. Review status: criteria provided, conflicting classifications (1 of 4 stars). 4 submissions from 4 submitters: Uncertain significance (3); Likely benign (1). Last evaluated 2024-12-11.

Conditions:
Kufor-Rakeb syndrome (KRS). Also called: PARKINSON DISEASE 9, AUTOSOMAL RECESSIVE, JUVENILE-ONSET. Identifiers: Orphanet 306674, Orphanet 314632, MedGen C1847640, MONDO:0011706, OMIM 606693.
Autosomal recessive spastic paraplegia type 78. Identifiers: Orphanet 513436, MedGen C5567893, MONDO:0014975, OMIM 617225.
Inborn genetic diseases. Identifiers: MedGen C0950123, MeSH D030342.

Allele frequency attached by ClinVar (database versions not stated): gnomAD exomes 0.00003 and 0.00008; gnomAD 0.00004; ExAC 0.00005; TOPMed 0.00005; 1000 Genomes Project 30x 0.00016; 1000 Genomes Project 0.00020.
gnomAD v4.1: 53 of 1,614,026 alleles (0.0033%); highest among the groups gnomAD compares: East Asian, 0.1%; no homozygotes.

Submissions (4):

GeneDx
Classification: Uncertain significance. Last evaluated: 2024-12-11. Review status: criteria provided, single submitter. Criteria: GeneDx Variant Classification Process June 2021. Collection method: clinical testing. Allele origin: germline. Affected: yes.
Comment: In silico analysis indicates that this missense variant does not alter protein structure/function; Reported previously in the heterozygous state in individuals with early onset Parkinson disease; detailed clinical information not provided (PMID: 35861376); This variant is associated with the following publications: (PMID: 35861376)

Labcorp Genetics (formerly Invitae), Labcorp
Classification: Likely benign for Kufor-Rakeb syndrome; Autosomal recessive spastic paraplegia type 78. Last evaluated: 2024-09-02. Review status: criteria provided, single submitter. Criteria: Invitae Variant Classification Sherloc (09022015). Collection method: clinical testing. Allele origin: germline.

Mayo Clinic Laboratories, Mayo Clinic
Classification: Uncertain significance. Last evaluated: 2024-07-31. Review status: criteria provided, single submitter. Criteria: ACMG Guidelines, 2015. Collection method: clinical testing. Allele origin: germline. Observed: 1 variant allele.
Comment: BP4_moderate

Ambry Genetics
Classification: Uncertain significance for Inborn genetic diseases. Last evaluated: 2019-09-27. Review status: criteria provided, single submitter. Criteria: Ambry Variant Classification Scheme 2023. Collection method: clinical testing. Allele origin: germline.
Comment: The p.A136V variant (also known as c.407C>T), located in coding exon 5 of the ATP13A2 gene, results from a C to T substitution at nucleotide position 407. The alanine at codon 136 is replaced by valine, an amino acid with similar properties. This amino acid position is not well conserved in available vertebrate species, and valine is the reference amino acid in other vertebrate species. In addition, this alteration is predicted to be tolerated by in silico analysis. Since supporting evidence is limited at this time, the clinical significance of this alteration remains unclear.

Literature cited by the submitters: PubMed 35861376 (cited by Mayo Clinic Laboratories, Mayo Clinic).